The following is an entry in ClinVar:

NM_145199.3(LIPT1):c.967A>G (p.Ile323Val)

Genes: LIPT1 (lipoyltransferase 1; plus strand), MITD1 (microtubule interacting and trafficking domain containing 1; minus strand). Cytogenetic location: 2q11.2.
Variant type: single nucleotide variant.
Coding change: c.967A>G on transcript NM_145199.3 (MANE Select); coding-DNA position 967, A replaced by G.
Protein change: p.Ile323Val; replaces isoleucine 323 with valine.
Molecular consequence: missense variant. On other transcripts: non-coding transcript variant (2).
Genome position (GRCh38, 1-based): chr2:99,162,924, A>G. VCF-style: chr2-99162924-A-G. GRCh37 (hg19) VCF-style: chr2-99779387-A-G.
Other names: c.967A>G, p.Ile323Val (NM_001204830.2, NM_015929.4, NM_145197.3 and 1 more transcripts); short protein forms I323V.
Identifiers: ClinVar variation 1503707 (VCV001503707.33), dbSNP rs745395682, ClinGen allele CA1797414.
Genomic context (GRCh38, chr2:99,162,924, plus strand): 5'-AAGAATGGAAGAATTGAAATTTGTAATATTGAAGCACCTGATCATTGGTTGCCATTGGAA[A>G]TACGTGACAAATTAAATTCAAGTCTTATTGGCAGTAAGTTTTGCCCAACTGAAACTACCA-3'
Protein context (NP_660200.1, residues 313-333): EAPDHWLPLE[Ile323Val]RDKLNSSLIG

ClinVar aggregate classification (germline): Uncertain significance. Review status: criteria provided, multiple submitters, no conflicts (2 of 4 stars). 2 submissions from 2 submitters: Uncertain significance (2). Last evaluated 2025-12-31.

Allele frequency attached by ClinVar (database versions not stated): gnomAD exomes below 0.00001; gnomAD 0.00001; TOPMed 0.00001; ExAC 0.00002.
gnomAD v4.1: 7 of 1,613,654 alleles (0.00043%); highest among the groups gnomAD compares: Middle Eastern, 0.016%; no homozygotes.

Submissions (2):

Labcorp Genetics (formerly Invitae), Labcorp
Classification: Uncertain significance. Last evaluated: 2025-12-31. Review status: criteria provided, single submitter. Criteria: Invitae Variant Classification Sherloc (09022015). Collection method: clinical testing. Allele origin: germline.
Comment: This sequence change replaces isoleucine, which is neutral and non-polar, with valine, which is neutral and non-polar, at codon 323 of the LIPT1 protein (p.Ile323Val). This variant is present in population databases (rs745395682, gnomAD 0.004%). This variant has not been reported in the literature in individuals affected with LIPT1-related conditions. ClinVar contains an entry for this variant (Variation ID: 1503707). Invitae Evidence Modeling of protein sequence and biophysical properties (such as structural, functional, and spatial information, amino acid conservation, physicochemical variation, residue mobility, and thermodynamic stability) indicates that this missense variant is not expected to disrupt LIPT1 protein function with a negative predictive value of 80%. In summary, the available evidence is currently insufficient to determine the role of this variant in disease. Therefore, it has been classified as a Variant of Uncertain Significance.

CeGaT Center for Human Genetics Tuebingen
Classification: Uncertain significance. Last evaluated: 2023-08-01. Review status: criteria provided, single submitter. Criteria: CeGaT Center For Human Genetics Tuebingen Variant Classification Criteria Version 2. Collection method: clinical testing. Allele origin: germline. Affected: yes. Observed: 1 variant allele.
Comment: LIPT1: PM2, BP4